The following is an entry in ClinVar:

ClinVar aggregate classification (germline): Benign/Likely benign. Review status: criteria provided, multiple submitters, no conflicts (2 of 4 stars). 4 submissions from 4 submitters: Benign (1); Likely benign (3). Last evaluated 2025-09-19.

Conditions:
Hereditary cancer-predisposing syndrome. Also called: Neoplastic Syndromes, Hereditary; Tumor predisposition; Hereditary Cancer Syndrome; Hereditary neoplastic syndrome. Identifiers: Orphanet 140162, MedGen C0027672, MeSH D009386, MONDO:0015356.
Familial adenomatous polyposis 1 (FAP1). Also called: FAMILIAL ADENOMATOUS POLYPOSIS 1, ATTENUATED; POLYPOSIS, ADENOMATOUS INTESTINAL. Identifiers: MedGen C2713442, MONDO:0021056, OMIM 175100. Disease mechanism: loss of function.

gnomAD v4.1: 2 of 1,613,748 alleles (0.00012%); highest among the groups gnomAD compares: Non-Finnish European, 0.00017%; no homozygotes.

Submissions (4):

Labcorp Genetics (formerly Invitae), Labcorp
Classification: Likely benign for Familial adenomatous polyposis 1. Last evaluated: 2025-09-19. Review status: criteria provided, single submitter. Criteria: Invitae Variant Classification Sherloc (09022015). Collection method: clinical testing. Allele origin: germline.

Myriad Genetics, Inc.
Classification: Benign for Familial adenomatous polyposis 1. Last evaluated: 2024-04-11. Review status: criteria provided, single submitter. Criteria: Myriad Autosomal Dominant, Autosomal Recessive and X-Linked Classification Criteria (2023). Collection method: clinical testing. Allele origin: unknown.
Comment: This variant is considered benign. This variant is a silent/synonymous amino acid change and it is not expected to impact splicing.

Ambry Genetics
Classification: Likely benign for Hereditary cancer-predisposing syndrome. Last evaluated: 2019-07-14. Review status: criteria provided, single submitter. Criteria: Ambry Variant Classification Scheme 2023. Collection method: clinical testing. Allele origin: germline.

Color Diagnostics, LLC DBA Color Health
Classification: Likely benign for Hereditary cancer-predisposing syndrome. Last evaluated: 2019-01-07. Review status: criteria provided, single submitter. Criteria: ACMG Guidelines, 2015. Collection method: clinical testing. Allele origin: germline.

NM_000038.6(APC):c.7887C>G (p.Thr2629=)

Gene: APC (APC regulator of Wnt signaling pathway; plus strand). Cytogenetic location: 5q22.2.
Variant type: single nucleotide variant.
Coding change: c.7887C>G on transcript NM_000038.6 (MANE Select); coding-DNA position 7887, C replaced by G.
Protein change: p.Thr2629=; no amino-acid change (threonine 2629 retained).
Molecular consequence: synonymous variant.
Genome position (GRCh38, 1-based): chr5:112,843,481, C>G. VCF-style: chr5-112843481-C-G. GRCh37 (hg19) VCF-style: chr5-112179178-C-G.
Other names: c.7887C>G, p.Thr2629= (NM_001127510.3, NM_001354895.2); c.7833C>G, p.Thr2611= (NM_001127511.3); c.7941C>G, p.Thr2647= (NM_001354896.2); c.7917C>G, p.Thr2639= (NM_001354897.2); c.7812C>G, p.Thr2604= (NM_001354898.2); c.7803C>G, p.Thr2601= (NM_001354899.2); c.7764C>G, p.Thr2588= (NM_001354900.2); c.7710C>G, p.Thr2570= (NM_001354901.2); and 5 more.
Identifiers: ClinVar variation 922333 (VCV000922333.15), dbSNP rs754051042, ClinGen allele CA446210935.